The following is an entry in ClinVar:

NM_001267550.2(TTN):c.66762C>T (p.Asp22254=)

Genes: TTN (titin; minus strand), TTN-AS1 (TTN antisense RNA 1; plus strand). Cytogenetic location: 2q31.2.
Variant type: single nucleotide variant.
Coding change: c.66762C>T on transcript NM_001267550.2 (MANE Select); coding-DNA position 66762, C replaced by T.
Protein change: p.Asp22254=; no amino-acid change (aspartic acid 22254 retained).
Molecular consequence: synonymous variant.
Genome position (GRCh38, 1-based): chr2:178,581,506, G>A on the plus strand (C>T on the coding strand, the complement: TTN is on the minus strand). VCF-style: chr2-178581506-G-A. GRCh37 (hg19) VCF-style: chr2-179446233-G-A.
Other names: c.61839C>T, p.Asp20613= (NM_001256850.1); c.39567C>T, p.Asp13189= (NM_003319.4); c.59058C>T, p.Asp19686= (NM_133378.4); c.39942C>T, p.Asp13314= (NM_133432.3); c.40143C>T, p.Asp13381= (NM_133437.4).
Identifiers: ClinVar variation 509845 (VCV000509845.11), dbSNP rs1178308561, ClinGen allele CA430261639.

ClinVar aggregate classification (germline): Likely benign. Review status: criteria provided, multiple submitters, no conflicts (2 of 4 stars). 3 submissions from 3 submitters: Likely benign (3). Last evaluated 2024-12-31.

Conditions:
Dilated cardiomyopathy 1G (CMD1G). Identifiers: Orphanet 154, MedGen C1858763, MONDO:0011400, OMIM 604145.
Autosomal recessive limb-girdle muscular dystrophy type 2J (LGMDR10). Also called: Limb-girdle muscular dystrophy, type 2J; MUSCULAR DYSTROPHY, LIMB-GIRDLE, AUTOSOMAL RECESSIVE 10. Identifiers: Orphanet 140922, MedGen C1837342, MONDO:0012127, OMIM 608807.
Cardiovascular phenotype. Identifiers: MedGen CN230736.

Allele frequency attached by ClinVar (database versions not stated): gnomAD exomes below 0.00001.
gnomAD v4.1: 2 of 1,591,440 alleles (0.00013%); highest among the groups gnomAD compares: South Asian, 0.0011%; no homozygotes.

Submissions (3):

Labcorp Genetics (formerly Invitae), Labcorp
Classification: Likely benign for Dilated cardiomyopathy 1G; Autosomal recessive limb-girdle muscular dystrophy type 2J. Last evaluated: 2024-12-31. Review status: criteria provided, single submitter. Criteria: Invitae Variant Classification Sherloc (09022015). Collection method: clinical testing. Allele origin: germline.

Ambry Genetics
Classification: Likely benign for Cardiovascular phenotype. Last evaluated: 2021-05-19. Review status: criteria provided, single submitter. Criteria: Ambry Variant Classification Scheme 2023. Collection method: clinical testing. Allele origin: germline.

GeneDx
Classification: Likely benign. Last evaluated: 2017-05-22. Review status: criteria provided, single submitter. Criteria: GeneDx Variant Classification (06012015). Collection method: clinical testing. Allele origin: germline. Affected: yes.
Comment: This variant is considered likely benign or benign based on one or more of the following criteria: it is a conservative change, it occurs at a poorly conserved position in the protein, it is predicted to be benign by multiple in silico algorithms, and/or has population frequency not consistent with disease.